The following is an entry in ClinVar:

NM_000257.4(MYH7):c.1303A>C (p.Met435Leu)

Gene: MYH7 (myosin heavy chain 7; minus strand). Cytogenetic location: 14q11.2.
Variant type: single nucleotide variant.
Coding change: c.1303A>C on transcript NM_000257.4 (MANE Select); coding-DNA position 1303, A replaced by C.
Protein change: p.Met435Leu; replaces methionine 435 with leucine.
Molecular consequence: missense variant.
Genome position (GRCh38, 1-based): chr14:23,429,059, T>G on the plus strand (A>C on the coding strand, the complement: MYH7 is on the minus strand). VCF-style: chr14-23429059-T-G. GRCh37 (hg19) VCF-style: chr14-23898268-T-G.
Other names: short protein forms M435L.
Identifiers: ClinVar variation 853541 (VCV000853541.1), dbSNP rs1240750957, ClinGen allele CA389050911.

ClinVar aggregate classification (germline): Uncertain significance (1 of 4 stars; one submission).

Conditions:
Hypertrophic cardiomyopathy. Also called: HYPERTROPHIC MYOCARDIOPATHY. Identifiers: Orphanet 217569, MedGen C0007194, MeSH D002312, MONDO:0005045, HP:0001639.

Submission:

Labcorp Genetics (formerly Invitae), Labcorp
Classification: Uncertain significance for Hypertrophic cardiomyopathy. Last evaluated: 2019-12-02. Review status: criteria provided, single submitter. Criteria: Invitae Variant Classification Sherloc (09022015). Collection method: clinical testing. Allele origin: germline.
Comment: This sequence change replaces methionine with leucine at codon 435 of the MYH7 protein (p.Met435Leu). The methionine residue is highly conserved and there is a small physicochemical difference between methionine and leucine. This variant is not present in population databases (ExAC no frequency). This variant has not been reported in the literature in individuals with MYH7-related conditions. Algorithms developed to predict the effect of missense changes on protein structure and function are either unavailable or do not agree on the potential impact of this missense change (SIFT: "Deleterious"; PolyPhen-2: "Benign"; Align-GVGD: "Class C0"). In summary, the available evidence is currently insufficient to determine the role of this variant in disease. Therefore, it has been classified as a Variant of Uncertain Significance.